The following is an entry in ClinVar:

ClinVar aggregate classification (germline): Uncertain significance. Review status: criteria provided, single submitter (1 of 4 stars). 2 submissions from 2 submitters: Uncertain significance (1). 1 of the submissions does not count toward it. Last evaluated 2025-11-08.

Conditions:
NRP2-related disorder. Also called: NRP2-related condition.

Allele frequency attached by ClinVar (database versions not stated): ExAC 0.00001; gnomAD 0.00007; TOPMed 0.00012; ESP Exome Variant Server 0.00015; gnomAD exomes 0.00001.

Submissions (2):

Ambry Genetics
Classification: Uncertain significance. Last evaluated: 2025-11-08. Review status: criteria provided, single submitter. Criteria: Ambry Variant Classification Scheme 2023. Collection method: clinical testing. Allele origin: germline.

PreventionGenetics, part of Exact Sciences
Classification: Uncertain significance for NRP2-related condition. Last evaluated: 2024-03-27. Review status: no assertion criteria provided. Collection method: clinical testing. Allele origin: germline. Not counted in ClinVar's aggregate classification.
Comment: The NRP2 c.1841C>T variant is predicted to result in the amino acid substitution p.Thr614Ile. To our knowledge, this variant has not been reported in the literature. This variant is reported in 0.036% of alleles in individuals of African descent in gnomAD. At this time, the clinical significance of this variant is uncertain due to the absence of conclusive functional and genetic evidence.

NM_003872.3(NRP2):c.1841C>T (p.Thr614Ile)

Gene: NRP2 (neuropilin 2; plus strand). Cytogenetic location: 2q33.3.
Variant type: single nucleotide variant.
Coding change: c.1841C>T on transcript NM_003872.3 (MANE Select); coding-DNA position 1841, C replaced by T.
Protein change: p.Thr614Ile; replaces threonine 614 with isoleucine.
Molecular consequence: missense variant.
Genome position (GRCh38, 1-based): chr2:205,749,779, C>T. VCF-style: chr2-205749779-C-T. GRCh37 (hg19) VCF-style: chr2-206614503-C-T.
Other names: c.1841C>T, p.Thr614Ile (NM_018534.4, NM_201266.2, NM_201267.2 and 1 more transcripts); short protein forms T614I.
Identifiers: ClinVar variation 2636799 (VCV002636799.4), dbSNP rs373766413, ClinGen allele CA2069237.